The following is an entry in ClinVar:

NM_005219.5(DIAPH1):c.1609del (p.Leu537fs)

Gene: DIAPH1 (diaphanous related formin 1; minus strand). Cytogenetic location: 5q31.3.
Variant type: Deletion.
Coding change: c.1609del on transcript NM_005219.5 (MANE Select); coding-DNA position 1609, one base deleted (C; older notation c.1609delC).
Protein change: p.Leu537fs; shifts the reading frame from leucine 537.
Molecular consequence: frameshift variant.
Genome position (GRCh38, 1-based): chr5:141,574,999, G deleted on the plus strand (C on the coding strand, the reverse complement: DIAPH1 is on the minus strand); the first of 2 consecutive G bases (chr5:141,574,999-141,575,000); deleting either gives the same sequence. VCF-style (leftmost placement, unchanged base first): chr5-141574998-AG-A. GRCh37 (hg19) VCF-style: chr5-140954565-AG-A.
Other names: c.1582del, p.Leu528fs (NM_001079812.3); c.1609del, p.Leu537fs (NM_001314007.2); short protein forms L528fs, L537fs.
Identifiers: ClinVar variation 3756314 (VCV003756314.2).
Genomic context (GRCh38, chr5:141,574,998, plus strand): 5'-TCATTCTGCCTTCCCTGCTCAGGCATTACCTCTCCTGTGAGCTGGGACACCTCTGCTTCC[AG>A]GTCCTGTTTCTCTGTGGCAATTTGCTGCTTTTCAGAATGCAGTGCATCTTTTTCTCCCTG-3'

ClinVar aggregate classification (germline): Pathogenic (1 of 4 stars; one submission).

Conditions:
Autosomal dominant nonsyndromic hearing loss 1. Also called: KONIGSMARK SYNDROME; DEAFNESS, AUTOSOMAL DOMINANT 1, WITH OR WITHOUT THROMBOCYTOPENIA. Identifiers: Orphanet 90635, MedGen C1852282, MONDO:0007424, OMIM 124900.
Progressive microcephaly-seizures-cortical blindness-developmental delay syndrome. Also called: Seizures, cortical blindness, and microcephaly syndrome. Identifiers: Orphanet 477814, MedGen C5567650, MONDO:0014714, OMIM 616632.

Submission:

Labcorp Genetics (formerly Invitae), Labcorp
Classification: Pathogenic for Progressive microcephaly-seizures-cortical blindness-developmental delay syndrome; Autosomal dominant nonsyndromic hearing loss 1. Last evaluated: 2024-10-30. Review status: criteria provided, single submitter. Criteria: Invitae Variant Classification Sherloc (09022015). Collection method: clinical testing. Allele origin: germline.
Comment: This sequence change creates a premature translational stop signal (p.Leu537Trpfs*15) in the DIAPH1 gene. It is expected to result in an absent or disrupted protein product. Loss-of-function variants in DIAPH1 are known to be pathogenic (PMID: 24781755, 26463574). This variant is not present in population databases (gnomAD no frequency). This variant has not been reported in the literature in individuals affected with DIAPH1-related conditions. For these reasons, this variant has been classified as Pathogenic.

Literature cited by the submitters: PubMed 24781755; PubMed 26463574.